The following is an entry in ClinVar:

ClinVar aggregate classification (germline): Uncertain significance. Review status: criteria provided, multiple submitters, no conflicts (2 of 4 stars). 3 submissions from 3 submitters: Uncertain significance (3). Last evaluated 2022-01-13.

Conditions:
Joubert syndrome 17 (JBTS17). Identifiers: Orphanet 475, MedGen C3553264, MONDO:0013824, OMIM 614615.
Orofaciodigital syndrome type 6 (OFD6). Also called: OROFACIODIGITAL SYNDROME VI; OFDS VI; POLYDACTYLY, CLEFT LIP/PALATE OR LINGUAL LUMP, AND PSYCHOMOTOR RETARDATION; VARADI SYNDROME; VARADI-PAPP SYNDROME; Oral-facial-digital syndrome type 6. Identifiers: Orphanet 2754, MedGen C2745997, MONDO:0010176, OMIM 277170.

Allele frequency attached by ClinVar (database versions not stated): TOPMed 0.00001.
gnomAD v4.1: 5 of 1,613,468 alleles (0.00031%); highest among the groups gnomAD compares: East Asian, 0.0022%; no homozygotes.

Submissions (3):

Fulgent Genetics
Classification: Uncertain significance for Orofaciodigital syndrome type 6; Joubert syndrome 17. Last evaluated: 2022-01-13. Review status: criteria provided, single submitter. Criteria: ACMG Guidelines, 2015. Collection method: clinical testing. Allele origin: unknown.

Labcorp Genetics (formerly Invitae), Labcorp
Classification: Uncertain significance. Last evaluated: 2021-10-14. Review status: criteria provided, single submitter. Criteria: Invitae Variant Classification Sherloc (09022015). Collection method: clinical testing. Allele origin: germline.
Comment: This sequence change replaces valine with leucine at codon 2644 of the CPLANE1 protein (p.Val2644Leu). The valine residue is moderately conserved and there is a small physicochemical difference between valine and leucine. This variant is not present in population databases (ExAC no frequency). This variant has not been reported in the literature in individuals affected with CPLANE1-related conditions. ClinVar contains an entry for this variant (Variation ID: 353427). Advanced modeling of protein sequence and biophysical properties (such as structural, functional, and spatial information, amino acid conservation, physicochemical variation, residue mobility, and thermodynamic stability) performed at Invitae indicates that this missense variant is not expected to disrupt CPLANE1 protein function. In summary, the available evidence is currently insufficient to determine the role of this variant in disease. Therefore, it has been classified as a Variant of Uncertain Significance.

Illumina Laboratory Services, Illumina
Classification: Uncertain significance for Joubert syndrome 17. Last evaluated: 2018-01-13. Review status: criteria provided, single submitter. Criteria: ICSL Variant Classification Criteria 13 December 2019. Collection method: clinical testing. Allele origin: germline.

NM_001384732.1(CPLANE1):c.7984G>C (p.Val2662Leu)

Gene: CPLANE1 (ciliogenesis and planar polarity effector complex subunit 1; minus strand). Cytogenetic location: 5p13.2.
Variant type: single nucleotide variant.
Coding change: c.7984G>C on transcript NM_001384732.1 (MANE Select); coding-DNA position 7984, G replaced by C.
Protein change: p.Val2662Leu; replaces valine 2662 with leucine.
Molecular consequence: missense variant.
Genome position (GRCh38, 1-based): chr5:37,157,697, C>G on the plus strand (G>C on the coding strand, the complement: CPLANE1 is on the minus strand). VCF-style: chr5-37157697-C-G. GRCh37 (hg19) VCF-style: chr5-37157799-C-G.
Other names: c.7930G>C, p.Val2644Leu (NM_023073.4); short protein forms V2644L, V2662L.
Identifiers: ClinVar variation 353427 (VCV000353427.8), dbSNP rs772274656, ClinGen allele CA10624661.